The following is an entry in ClinVar:

ClinVar aggregate classification (germline): Uncertain significance (1 of 4 stars; one submission).

Allele frequency attached by ClinVar (database versions not stated): TOPMed below 0.00001; gnomAD 0.00001.

Submission:

Labcorp Genetics (formerly Invitae), Labcorp
Classification: Uncertain significance. Last evaluated: 2022-08-11. Review status: criteria provided, single submitter. Criteria: Invitae Variant Classification Sherloc (09022015). Collection method: clinical testing. Allele origin: germline.
Comment: This sequence change replaces glutamic acid, which is acidic and polar, with aspartic acid, which is acidic and polar, at codon 1159 of the TRPM1 protein (p.Glu1159Asp). In summary, the available evidence is currently insufficient to determine the role of this variant in disease. Therefore, it has been classified as a Variant of Uncertain Significance. Algorithms developed to predict the effect of missense changes on protein structure and function (SIFT, PolyPhen-2, Align-GVGD) all suggest that this variant is likely to be disruptive. This variant has not been reported in the literature in individuals affected with TRPM1-related conditions. This variant is present in population databases (no rsID available, gnomAD 0.007%).

NM_001252024.2(TRPM1):c.3543G>C (p.Glu1181Asp)

Genes: TRPM1 (transient receptor potential cation channel subfamily M member 1; minus strand), TRPM1-AS1 (TRPM1 antisense RNA 1; plus strand), LOC126862088 (BRD4-independent group 4 enhancer GRCh37_chr15:31318084-31319283; plus strand). Cytogenetic location: 15q13.3.
Variant type: single nucleotide variant.
Coding change: c.3543G>C on transcript NM_001252024.2 (MANE Select); coding-DNA position 3543, G replaced by C.
Protein change: p.Glu1181Asp; replaces glutamic acid 1181 with aspartic acid.
Molecular consequence: missense variant.
Genome position (GRCh38, 1-based): chr15:31,026,225, C>G on the plus strand (G>C on the coding strand, the complement: TRPM1 is on the minus strand). VCF-style: chr15-31026225-C-G. GRCh37 (hg19) VCF-style: chr15-31318428-C-G.
Other names: c.3594G>C, p.Glu1198Asp (NM_001252020.2); c.3477G>C, p.Glu1159Asp (NM_002420.6); short protein forms E1198D, E1159D, E1181D.
Identifiers: ClinVar variation 2111348 (VCV002111348.4), dbSNP rs762235416, ClinGen allele CA391540362.
Genomic context (GRCh38, chr15:31,026,225, plus strand): 5'-GTCGCTGGACGACTGCTGCTCATCCTCCTTCTCCCGGAAGTGCTCCTGCACGCACTGCTC[C>G]TCGAACTCATGCAGCCTCTTTAGCTCCTCGTCGCTAAGGAAGAGCTCTGTGTGAAGGGAG-3'
Protein context (NP_001238953.1, residues 1171-1191): DEELKRLHEF[Glu1181Asp]EQCVQEHFRE